The following is an entry in ClinVar:

ClinVar aggregate classification (germline): Benign. Review status: criteria provided, multiple submitters, no conflicts (2 of 4 stars). 3 submissions from 3 submitters: Benign (2). 1 of the submissions does not count toward it. Last evaluated 2018-07-05.

Conditions:
ECM1-related disorder. Also called: ECM1-related condition.

Allele frequency attached by ClinVar (database versions not stated): gnomAD exomes 0.07815; ExAC 0.08494; 1000 Genomes Project 0.09944; 1000 Genomes Project 30x 0.10337; gnomAD 0.12082 and 0.12655; TOPMed 0.12212; ESP Exome Variant Server 0.13425.
gnomAD v4.1: 149,193 of 1,613,984 alleles (9.2%); highest among the groups gnomAD compares: African/African-American, 23%; 8,225 homozygotes.

Submissions (3):

GeneDx
Classification: Benign. Last evaluated: 2018-07-05. Review status: criteria provided, single submitter. Criteria: GeneDx Variant Classification Process June 2021. Collection method: clinical testing. Allele origin: germline. Affected: yes.

Breakthrough Genomics
Classification: Benign. Review status: criteria provided, single submitter. Criteria: ACMG Guidelines, 2015. Collection method: not provided. Allele origin: germline. Inheritance: Autosomal recessive inheritance. Affected: yes.

PreventionGenetics, part of Exact Sciences
Classification: Benign for ECM1-related condition. Last evaluated: 2024-04-19. Review status: no assertion criteria provided. Collection method: clinical testing. Allele origin: germline. Not counted in ClinVar's aggregate classification.
Comment: This variant is classified as benign based on ACMG/AMP sequence variant interpretation guidelines (Richards et al. 2015 PMID: 25741868, with internal and published modifications).

NM_004425.4(ECM1):c.780G>A (p.Thr260=)

Gene: ECM1 (extracellular matrix protein 1; plus strand). Cytogenetic location: 1q21.2.
Variant type: single nucleotide variant.
Coding change: c.780G>A on transcript NM_004425.4 (MANE Select); coding-DNA position 780, G replaced by A.
Protein change: p.Thr260=; no amino-acid change (threonine 260 retained).
Molecular consequence: synonymous variant. On other transcripts: intron variant (1).
Genome position (GRCh38, 1-based): chr1:150,511,528, G>A. VCF-style: chr1-150511528-G-A. GRCh37 (hg19) VCF-style: chr1-150484004-G-A.
Other names: c.861G>A, p.Thr287= (NM_001202858.2); c.708+330G>A (NM_022664.3).
Identifiers: ClinVar variation 1230769 (VCV001230769.6), dbSNP rs11801190, ClinGen allele CA1077547.
Genomic context (GRCh38, chr1:150,511,528, plus strand): 5'-AATGAGCCGATTCTGTGAGGCCGAGTTCTCGGTCAAGACCCGACCCCACTGGTGCTGCAC[G>A]CGGCAGGGGGAGGCTCGGTTCTCCTGCTTCCAGGAGGAAGCTCCCCAGCCACACTACCAG-3'
Protein context (NP_004416.2, residues 250-270): SVKTRPHWCC[Thr260=]RQGEARFSCF